The following is an entry in ClinVar:

NM_016628.5(WAC):c.1777A>G (p.Met593Val)

Gene: WAC (WW domain containing adaptor with coiled-coil; plus strand). Cytogenetic location: 10p12.1.
Variant type: single nucleotide variant.
Coding change: c.1777A>G on transcript NM_016628.5 (MANE Select); coding-DNA position 1777, A replaced by G.
Protein change: p.Met593Val; replaces methionine 593 with valine.
Molecular consequence: missense variant.
Genome position (GRCh38, 1-based): chr10:28,617,687, A>G. VCF-style: chr10-28617687-A-G. GRCh37 (hg19) VCF-style: chr10-28906616-A-G.
Other names: c.1642A>G, p.Met548Val (NM_100264.3); c.1468A>G, p.Met490Val (NM_100486.4); short protein forms M490V, M548V, M593V.
Identifiers: ClinVar variation 1248094 (VCV001248094.4), dbSNP rs569800060, ClinGen allele CA5455146.

ClinVar aggregate classification (germline): Benign. Review status: criteria provided, single submitter (1 of 4 stars). 2 submissions from 2 submitters: Benign (1). 1 of the submissions does not count toward it. Last evaluated 2020-11-25.

Conditions:
WAC-related disorder. Also called: WAC-related condition.

Allele frequency attached by ClinVar (database versions not stated): gnomAD exomes 0.00017; ExAC 0.00020; 1000 Genomes Project 0.00060; 1000 Genomes Project 30x 0.00062.
gnomAD v4.1: 138 of 1,592,832 alleles (0.0087%); highest among the groups gnomAD compares: South Asian, 0.16%; 1 homozygote.

Submissions (2):

GeneDx
Classification: Benign. Last evaluated: 2020-11-25. Review status: criteria provided, single submitter. Criteria: GeneDx Variant Classification Process June 2021. Collection method: clinical testing. Allele origin: germline. Affected: yes.

PreventionGenetics, part of Exact Sciences
Classification: Likely benign for WAC-related condition. Last evaluated: 2019-04-10. Review status: no assertion criteria provided. Collection method: clinical testing. Allele origin: germline. Not counted in ClinVar's aggregate classification.
Comment: This variant is classified as likely benign based on ACMG/AMP sequence variant interpretation guidelines (Richards et al. 2015 PMID: 25741868, with internal and published modifications).